The following is an entry in ClinVar:

ClinVar aggregate classification (germline): Uncertain significance. Review status: criteria provided, multiple submitters, no conflicts (2 of 4 stars). 2 submissions from 2 submitters: Uncertain significance (2). Last evaluated 2023-05-14.

Conditions:
Idiopathic Pulmonary Fibrosis. Also called: Idiopathic fibrosing alveolitis, chronic form; idiopathic fibrosing alveolitis. Identifiers: Orphanet 2032, MedGen C1800706, MeSH D054990, MONDO:0800504.
Dyskeratosis congenita, autosomal dominant 2. Identifiers: MedGen C3151443, MONDO:0013521, OMIM 613989.

Submissions (2):

Baylor Genetics
Classification: Uncertain significance for Dyskeratosis congenita, autosomal dominant 2. Last evaluated: 2023-05-14. Review status: criteria provided, single submitter. Criteria: ACMG Guidelines, 2015. Collection method: clinical testing. Allele origin: unknown.

Labcorp Genetics (formerly Invitae), Labcorp
Classification: Uncertain significance for Dyskeratosis congenita, autosomal dominant 2; Idiopathic Pulmonary Fibrosis. Last evaluated: 2022-08-05. Review status: criteria provided, single submitter. Criteria: Invitae Variant Classification Sherloc (09022015). Collection method: clinical testing. Allele origin: germline.
Comment: This sequence change replaces serine, which is neutral and polar, with asparagine, which is neutral and polar, at codon 663 of the TERT protein (p.Ser663Asn). This variant is not present in population databases (gnomAD no frequency). This variant has not been reported in the literature in individuals affected with TERT-related conditions. Algorithms developed to predict the effect of missense changes on protein structure and function are either unavailable or do not agree on the potential impact of this missense change (SIFT: "Tolerated"; PolyPhen-2: "Possibly Damaging"; Align-GVGD: "Class C0"). In summary, the available evidence is currently insufficient to determine the role of this variant in disease. Therefore, it has been classified as a Variant of Uncertain Significance.

NM_198253.3(TERT):c.1988G>A (p.Ser663Asn)

Gene: TERT (telomerase reverse transcriptase; minus strand). Cytogenetic location: 5p15.33.
Variant type: single nucleotide variant.
Coding change: c.1988G>A on transcript NM_198253.3 (MANE Select); coding-DNA position 1988, G replaced by A.
Protein change: p.Ser663Asn; replaces serine 663 with asparagine.
Molecular consequence: missense variant. On other transcripts: non-coding transcript variant (2).
Genome position (GRCh38, 1-based): chr5:1,279,433, C>T on the plus strand (G>A on the coding strand, the complement: TERT is on the minus strand). VCF-style: chr5-1279433-C-T. GRCh37 (hg19) VCF-style: chr5-1279548-C-T.
Other names: c.1988G>A, p.Ser663Asn (NM_001193376.3, NM_003219.1); short protein forms S663N.
Identifiers: ClinVar variation 1908334 (VCV001908334.6), dbSNP rs2478277047, ClinGen allele CA359080772.